The following is an entry in ClinVar:

ClinVar aggregate classification (germline): Conflicting classifications of pathogenicity. Review status: criteria provided, conflicting classifications (1 of 4 stars). 6 submissions from 6 submitters: Likely pathogenic (5); Uncertain significance (1). Last evaluated 2026-01-14.

Conditions:
Retinitis pigmentosa 25 (RP25). Identifiers: Orphanet 791, MedGen C1864446, MONDO:0011272, OMIM 602772.
EYS-related disorder. Also called: EYS-related condition.
Retinitis pigmentosa (RP). Identifiers: Orphanet 791, MedGen C0035334, MeSH D012174, MONDO:0019200, OMIM 268000. Inheritance: Autosomal dominant, autosomal recessive and X linked inheritance.

Allele frequency attached by ClinVar (database versions not stated): gnomAD exomes 0.00004.
gnomAD v4.1: 50 of 1,550,834 alleles (0.0032%); highest among the groups gnomAD compares: Non-Finnish European, 0.0043%; no homozygotes.

Submissions (6):

Natera, Inc.
Classification: Likely pathogenic for Retinitis pigmentosa type 25. Last evaluated: 2026-01-14. Review status: criteria provided, single submitter. Criteria: Natera Variant Classification Schema (03/2026). Collection method: clinical testing. Allele origin: germline.
Comment: The c.9131G>T variant in EYS is a missense variant predicted to cause substitution of tryptophan to leucine at amino acid 3044. This variant is rare in the general population with a frequency below the threshold expected for the associated phenotype(s). This variant has been observed in one or more individuals affected with the associated recessive disease, as either homozygous or compound heterozygous with a second variant (PMID: 27208204, 33749171). Computational prediction algorithms indicate this variant is likely to affect gene or protein function. Given the available evidence, this variant is classified as Likely Pathogenic.

Labcorp Genetics (formerly Invitae), Labcorp
Classification: Uncertain significance. Last evaluated: 2025-06-29. Review status: criteria provided, single submitter. Criteria: Invitae Variant Classification Sherloc (09022015). Collection method: clinical testing. Allele origin: germline.
Comment: This sequence change replaces tryptophan, which is neutral and slightly polar, with leucine, which is neutral and non-polar, at codon 3044 of the EYS protein (p.Trp3044Leu). This variant is not present in population databases (gnomAD no frequency). This missense change has been observed in individuals with inherited retinal dystrophy (PMID: 20237254, 27208204, 32037395, 33749171; internal data). ClinVar contains an entry for this variant (Variation ID: 865822). Invitae Evidence Modeling of protein sequence and biophysical properties (such as structural, functional, and spatial information, amino acid conservation, physicochemical variation, residue mobility, and thermodynamic stability) indicates that this missense variant is not expected to disrupt EYS protein function with a negative predictive value of 80%. In summary, the available evidence is currently insufficient to determine the role of this variant in disease. Therefore, it has been classified as a Variant of Uncertain Significance.

Fulgent Genetics
Classification: Likely pathogenic for Retinitis pigmentosa 25. Last evaluated: 2024-04-29. Review status: criteria provided, single submitter. Criteria: ACMG Guidelines, 2015. Collection method: clinical testing. Allele origin: germline.

Women's Health and Genetics/Laboratory Corporation of America, LabCorp
Classification: Likely pathogenic for Retinitis pigmentosa. Last evaluated: 2024-04-26. Review status: criteria provided, single submitter. Criteria: LabCorp Variant Classification Summary - May 2015. Collection method: clinical testing. Allele origin: germline.
Comment: Variant summary: EYS c.9131G>T (p.Trp3044Leu) results in a non-conservative amino acid change located in the Laminin G domain (IPR001791) of the encoded protein sequence. Three of five in-silico tools predict a damaging effect of the variant on protein function. The variant was absent in 156492 control chromosomes. c.9131G>T has been reported in the literature in individuals affected with Inherited Retinal Diseases, including Retinitis Pigmentosa (e.g. Abd El-Aziz_2010, Ellingford_2016, Messchaert_2018, Sheck_2021, Zampaglione_2020, Varela_2023), including cases reported as compound heterozygous with other pathogenic variants. These data indicate that the variant is likely to be associated with disease. To our knowledge, no experimental evidence demonstrating an impact on protein function has been reported. The following publications have been ascertained in the context of this evaluation (PMID: 29159838, 32037395, 27208204, 33749171, 20237254, 37544434). ClinVar has an entry for this variant (Variation ID: 865822). Based on the evidence outlined above, the variant was classified as likely pathogenic.

Baylor Genetics
Classification: Likely pathogenic for Retinitis pigmentosa 25. Last evaluated: 2023-11-17. Review status: criteria provided, single submitter. Criteria: ACMG Guidelines, 2015. Collection method: clinical testing. Allele origin: unknown.

Blueprint Genetics
Classification: Likely pathogenic for EYS-related disorders. Last evaluated: 2021-05-05. Review status: criteria provided, single submitter. Criteria: ACMG Guidelines, 2015. Collection method: clinical testing. Allele origin: germline. Affected: yes. Observed: 4 variant alleles.

Literature cited by the submitters: PubMed 27208204 (cited by 3 submitters); PubMed 33749171 (cited by 3 submitters); PubMed 20237254 (cited by Labcorp Genetics (formerly Invitae), Labcorp and Women's Health and Genetics/Laboratory Corporation of America, LabCorp); PubMed 32037395 (cited by Labcorp Genetics (formerly Invitae), Labcorp and Women's Health and Genetics/Laboratory Corporation of America, LabCorp); PubMed 29159838 (cited by Women's Health and Genetics/Laboratory Corporation of America, LabCorp); PubMed 37544434 (cited by Women's Health and Genetics/Laboratory Corporation of America, LabCorp).

NM_001142800.2(EYS):c.9131G>T (p.Trp3044Leu)

Genes: EYS (EGF-like photoreceptor maintenance factor; minus strand), PHF3 (PHD finger protein 3; plus strand). Cytogenetic location: 6q12.
Variant type: single nucleotide variant.
Coding change: c.9131G>T on transcript NM_001142800.2 (MANE Select); coding-DNA position 9131, G replaced by T.
Protein change: p.Trp3044Leu; replaces tryptophan 3044 with leucine.
Molecular consequence: missense variant. On other transcripts: 3 prime UTR variant (5).
Genome position (GRCh38, 1-based): chr6:63,720,900, C>A on the plus strand (G>T on the coding strand, the complement: EYS is on the minus strand). VCF-style: chr6-63720900-C-A. GRCh37 (hg19) VCF-style: chr6-64430796-C-A.
Other names: c.*7192C>A (NM_001290259.2, NM_001370348.2, NM_001370349.2 and 2 more transcripts); c.9194G>T, p.Trp3065Leu (NM_001292009.2); short protein forms W3044L, W3065L.
Identifiers: ClinVar variation 865822 (VCV000865822.9), dbSNP rs772549804, ClinGen allele CA140236795.
Genomic context (GRCh38, chr6:63,720,900, plus strand): 5'-AGACTGTTATTTATGTAGGCCTTGATAAGAGTCTGATTTTGAATTACAACTACATGGTGC[C>A]ATTTATTACAACAGAATGTGCCATTGTTATAGCTCATAGGCACAGAGATTCTTTCTCCCA-3'
Protein context (NP_001136272.1, residues 3034-3054): YNNGTFCCNK[Trp3044Leu]HHVVVIQNQT